The following is an entry in ClinVar:

NM_001378452.1(ITPR1):c.4820G>A (p.Arg1607Gln)

Genes: BRRIAR (BHLHE40 and RIG-I regulating ITPR1 antisense RNA; minus strand), ITPR1 (inositol 1,4,5-trisphosphate receptor type 1; plus strand). Cytogenetic location: 3p26.1.
Variant type: single nucleotide variant.
Coding change: c.4820G>A on transcript NM_001378452.1 (MANE Select); coding-DNA position 4820, G replaced by A.
Protein change: p.Arg1607Gln; replaces arginine 1607 with glutamine.
Molecular consequence: missense variant.
Genome position (GRCh38, 1-based): chr3:4,706,329, G>A. VCF-style: chr3-4706329-G-A. GRCh37 (hg19) VCF-style: chr3-4748013-G-A.
Other names: c.4793G>A, p.Arg1598Gln (NM_001099952.4); c.4775G>A, p.Arg1592Gln (NM_001168272.2); c.4748G>A, p.Arg1583Gln (NM_002222.7); short protein forms R1583Q, R1592Q, R1598Q, R1607Q.
Identifiers: ClinVar variation 3683164 (VCV003683164.2).
Genomic context (GRCh38, chr3:4,706,329, plus strand): 5'-GGCTCTCAGCCCGCAATGCCGCACGCAGGGACTCTGTTCTGGCAGCTTCCAGAGACTACC[G>A]GAATATCATTGAGAGATTGCAGGTAATGCCTGGTGTTGAGAGAAGTGATGCTTAGCCTGG-3'
Protein context (NP_001365381.1, residues 1597-1617): DSVLAASRDY[Arg1607Gln]NIIERLQDIV

ClinVar aggregate classification (germline): Uncertain significance (1 of 4 stars; one submission).

gnomAD v4.1: 3 of 1,612,782 alleles (0.00019%); highest among the groups gnomAD compares: Non-Finnish European, 0.00017%; no homozygotes.

Submission:

Labcorp Genetics (formerly Invitae), Labcorp
Classification: Uncertain significance. Last evaluated: 2024-04-25. Review status: criteria provided, single submitter. Criteria: Invitae Variant Classification Sherloc (09022015). Collection method: clinical testing. Allele origin: germline.
Comment: This sequence change replaces arginine, which is basic and polar, with glutamine, which is neutral and polar, at codon 1583 of the ITPR1 protein (p.Arg1583Gln). This variant is not present in population databases (gnomAD no frequency). This variant has not been reported in the literature in individuals affected with ITPR1-related conditions. Advanced modeling of protein sequence and biophysical properties (such as structural, functional, and spatial information, amino acid conservation, physicochemical variation, residue mobility, and thermodynamic stability) performed at Invitae indicates that this missense variant is not expected to disrupt ITPR1 protein function with a negative predictive value of 80%. In summary, the available evidence is currently insufficient to determine the role of this variant in disease. Therefore, it has been classified as a Variant of Uncertain Significance.